The following is an entry in ClinVar:

ClinVar aggregate classification (germline): Uncertain significance (1 of 4 stars; one submission).

Conditions:
Cardiovascular phenotype. Identifiers: MedGen CN230736.
Hereditary cancer-predisposing syndrome. Also called: Neoplastic Syndromes, Hereditary; Tumor predisposition; Hereditary neoplastic syndrome; Hereditary Cancer Syndrome. Identifiers: Orphanet 140162, MedGen C0027672, MeSH D009386, MONDO:0015356.

Submission:

Ambry Genetics
Classification: Uncertain significance for Cardiovascular phenotype; Hereditary cancer-predisposing syndrome. Last evaluated: 2026-07-27. Review status: criteria provided, single submitter. Criteria: Ambry Variant Classification Scheme 2023. Collection method: clinical testing. Allele origin: germline.
Comment: The p.K805M variant (also known as c.2414A>T), located in coding exon 21 of the LZTR1 gene, results from an A to T substitution at nucleotide position 2414. The lysine at codon 805 is replaced by methionine, an amino acid with similar properties. This amino acid position is conserved. In addition, the in silico prediction for this alteration is inconclusive. Based on the available evidence, the clinical significance of this variant remains unclear.

NM_006767.4(LZTR1):c.2414A>T (p.Lys805Met)

Gene: LZTR1 (leucine zipper like post translational regulator 1; plus strand). Cytogenetic location: 22q11.21.
Variant type: single nucleotide variant.
Coding change: c.2414A>T on transcript NM_006767.4 (MANE Select); coding-DNA position 2414, A replaced by T.
Protein change: p.Lys805Met; replaces lysine 805 with methionine.
Molecular consequence: missense variant.
Genome position (GRCh38, 1-based): chr22:20,997,239, A>T. VCF-style: chr22-20997239-A-T. GRCh37 (hg19) VCF-style: chr22-21351528-A-T.
Other names: short protein forms K805M.
Identifiers: ClinVar variation 5023780 (VCV005023780.1).